The following is an entry in ClinVar:

ClinVar aggregate classification (germline): Likely benign (0 of 4 stars; one submission).

Conditions:
SLC25A24-related disorder. Also called: SLC25A24-related condition.

gnomAD v4.1: 4 of 1,598,950 alleles (0.00025%); highest among the groups gnomAD compares: South Asian, 0.0034%; no homozygotes.

Submission:

PreventionGenetics, part of Exact Sciences
Classification: Likely benign for SLC25A24-related condition. Last evaluated: 2019-04-11. Review status: no assertion criteria provided. Collection method: clinical testing. Allele origin: germline.
Comment: This variant is classified as likely benign based on ACMG/AMP sequence variant interpretation guidelines (Richards et al. 2015 PMID: 25741868, with internal and published modifications).

NM_013386.5(SLC25A24):c.75G>A (p.Glu25=)

Gene: SLC25A24 (solute carrier family 25 member 24; minus strand). Cytogenetic location: 1p13.3.
Variant type: single nucleotide variant.
Coding change: c.75G>A on transcript NM_013386.5 (MANE Select); coding-DNA position 75, G replaced by A.
Protein change: p.Glu25=; no amino-acid change (glutamic acid 25 retained).
Molecular consequence: synonymous variant.
Genome position (GRCh38, 1-based): chr1:108,200,064, C>T on the plus strand (G>A on the coding strand, the complement: SLC25A24 is on the minus strand). VCF-style: chr1-108200064-C-T. GRCh37 (hg19) VCF-style: chr1-108742686-C-T.
Identifiers: ClinVar variation 3057833 (VCV003057833.2), dbSNP rs1279392614, ClinGen allele CA419209646.